The following is an entry in ClinVar:

NM_005334.3(HCFC1):c.5340C>A (p.Thr1780=)

Gene: HCFC1 (host cell factor C1; minus strand). Cytogenetic location: Xq28.
Variant type: single nucleotide variant.
Coding change: c.5340C>A on transcript NM_005334.3 (MANE Select); coding-DNA position 5340, C replaced by A.
Protein change: p.Thr1780=; no amino-acid change (threonine 1780 retained).
Molecular consequence: synonymous variant.
Genome position (GRCh38, 1-based): chrX:153,951,628, G>T on the plus strand (C>A on the coding strand, the complement: HCFC1 is on the minus strand). VCF-style: chrX-153951628-G-T. GRCh37 (hg19) VCF-style: chrX-153217079-G-T.
Identifiers: ClinVar variation 383911 (VCV000383911.4), dbSNP rs1057521778, ClinGen allele CA16609144.
Genomic context (GRCh38, chrX:153,951,628, plus strand): 5'-GCCCCAACACACCCGACTCACCACACCCAGGGACTCGATGCCATTGGCCACTTCGGTCAG[G>T]GTAGCTGCAGCCTGCAGCTTGGCTGGGCTGGCCACCACAACCGGCTGGGGGGCCACAAAT-3'
Protein context (NP_005325.2, residues 1770-1790): ASPAKLQAAA[Thr1780=]LTEVANGIES

ClinVar aggregate classification (germline): Likely benign. Review status: criteria provided, multiple submitters, no conflicts (2 of 4 stars). 2 submissions from 2 submitters: Likely benign (2). Last evaluated 2023-11-28.

Conditions:
Methylmalonic acidemia with homocystinuria, type cblX (MAHCX). Also called: INTELLECTUAL DEVELOPMENTAL DISORDER, X-LINKED 3. Identifiers: Orphanet 369962, MedGen C0796208, MONDO:0010657, OMIM 309541.

Allele frequency attached by ClinVar (database versions not stated): gnomAD exomes below 0.00001.
gnomAD v4.1: 1 of 1,211,150 alleles (0.000083%); highest among the groups gnomAD compares: Non-Finnish European, 0.00011%; no homozygotes.

Submissions (2):

Labcorp Genetics (formerly Invitae), Labcorp
Classification: Likely benign for Methylmalonic acidemia with homocystinuria, type cblX. Last evaluated: 2023-11-28. Review status: criteria provided, single submitter. Criteria: Invitae Variant Classification Sherloc (09022015). Collection method: clinical testing. Allele origin: germline.

GeneDx
Classification: Likely benign. Last evaluated: 2016-03-08. Review status: criteria provided, single submitter. Criteria: GeneDx Variant Classification (06012015). Collection method: clinical testing. Allele origin: germline. Affected: yes.
Comment: This variant is considered likely benign or benign based on one or more of the following criteria: it is a conservative change, it occurs at a poorly conserved position in the protein, it is predicted to be benign by multiple in silico algorithms, and/or has population frequency not consistent with disease.